The following is an entry in ClinVar:

ClinVar aggregate classification (germline): Pathogenic (0 of 4 stars; one submission).

Submission:

GenMed Metabolism Lab
Classification: Pathogenic. Review status: no assertion criteria provided. Collection method: not provided. Allele origin: unknown.
ClinVar note: Converted during submission from pathogenic to Pathogenic.

NM_000531.6(OTC):c.514A>T (p.Ile172Phe)

Gene: OTC (ornithine transcarbamylase; plus strand). Cytogenetic location: Xp11.4.
Variant type: single nucleotide variant.
Coding change: c.514A>T on transcript NM_000531.6 (MANE Select); coding-DNA position 514, A replaced by T.
Protein change: p.Ile172Phe; replaces isoleucine 172 with phenylalanine.
Molecular consequence: missense variant.
Genome position (GRCh38, 1-based): chrX:38,401,402, A>T. VCF-style: chrX-38401402-A-T. GRCh37 (hg19) VCF-style: chrX-38260655-A-T.
Other names: short protein forms I172F.
Identifiers: ClinVar variation 97229 (VCV000097229.2), dbSNP rs72556279, ClinGen allele CA224657.